The following is an entry in ClinVar:

ClinVar aggregate classification (germline): Uncertain significance. Review status: criteria provided, multiple submitters, no conflicts (2 of 4 stars). 2 submissions from 2 submitters: Uncertain significance (2). Last evaluated 2024-02-16.

Allele frequency attached by ClinVar (database versions not stated): gnomAD exomes below 0.00001 and 0.00001; ExAC 0.00002.
gnomAD v4.1: 4 of 1,613,744 alleles (0.00025%); highest among the groups gnomAD compares: Non-Finnish European, 0.00025%; no homozygotes.

Submissions (2):

Blueprint Genetics
Classification: Uncertain significance. Last evaluated: 2024-02-16. Review status: criteria provided, single submitter. Criteria: ACMG Guidelines, 2015. Collection method: clinical testing. Allele origin: germline.

Labcorp Genetics (formerly Invitae), Labcorp
Classification: Uncertain significance. Last evaluated: 2022-08-10. Review status: criteria provided, single submitter. Criteria: Invitae Variant Classification Sherloc (09022015). Collection method: clinical testing. Allele origin: germline.
Comment: This sequence change replaces leucine, which is neutral and non-polar, with arginine, which is basic and polar, at codon 514 of the PDE6B protein (p.Leu514Arg). This variant is present in population databases (rs771286479, gnomAD 0.009%). This variant has not been reported in the literature in individuals affected with PDE6B-related conditions. ClinVar contains an entry for this variant (Variation ID: 1353615). Algorithms developed to predict the effect of missense changes on protein structure and function are either unavailable or do not agree on the potential impact of this missense change (SIFT: "Deleterious"; PolyPhen-2: "Possibly Damaging"; Align-GVGD: "Class C0"). In summary, the available evidence is currently insufficient to determine the role of this variant in disease. Therefore, it has been classified as a Variant of Uncertain Significance.

NM_000283.4(PDE6B):c.1541T>G (p.Leu514Arg)

Gene: PDE6B (phosphodiesterase 6B; plus strand). Cytogenetic location: 4p16.3.
Variant type: single nucleotide variant.
Coding change: c.1541T>G on transcript NM_000283.4 (MANE Select); coding-DNA position 1541, T replaced by G.
Protein change: p.Leu514Arg; replaces leucine 514 with arginine.
Molecular consequence: missense variant.
Genome position (GRCh38, 1-based): chr4:660,540, T>G. VCF-style: chr4-660540-T-G. GRCh37 (hg19) VCF-style: chr4-654329-T-G.
Other names: c.1541T>G, p.Leu514Arg (NM_001145291.2); c.704T>G, p.Leu235Arg (NM_001145292.2, NM_001350154.3, NM_001379246.1 and 1 more transcripts); c.386T>G, p.Leu129Arg (NM_001350155.3); short protein forms L235R, L129R, L514R.
Identifiers: ClinVar variation 1353615 (VCV001353615.7), dbSNP rs771286479, ClinGen allele CA2794572.